The following is an entry in ClinVar:

ClinVar aggregate classification (germline): Conflicting classifications of pathogenicity. Review status: criteria provided, conflicting classifications (1 of 4 stars). 2 submissions from 2 submitters: Likely pathogenic (1); Uncertain significance (1). Last evaluated 2026-04-28.

Conditions:
Hypertrophic cardiomyopathy 1 (CMH1). Also called: Familial hypertrophic cardiomyopathy 1; MYH7-Related Familial Hypertrophic Cardiomyopathy. Identifiers: MedGen C3495498, MONDO:0008647, OMIM 192600.

Submissions (2):

Institute of Human Genetics, University of Leipzig Medical Center
Classification: Likely pathogenic for Hypertrophic cardiomyopathy 1. Last evaluated: 2026-04-28. Review status: criteria provided, single submitter. Criteria: ACMG Guidelines, 2015. Collection method: clinical testing. Allele origin: unknown. Inheritance: Autosomal dominant inheritance. Affected: yes.
Comment: Criteria applied: PM1,PM5,PM2_SUP,PP3

Blueprint Genetics
Classification: Uncertain significance. Last evaluated: 2024-05-20. Review status: criteria provided, single submitter. Criteria: ACMG Guidelines, 2015. Collection method: clinical testing. Allele origin: germline.

NM_000257.4(MYH7):c.2699A>C (p.Asp900Ala)

Gene: MYH7 (myosin heavy chain 7; minus strand). Cytogenetic location: 14q11.2.
Variant type: single nucleotide variant.
Coding change: c.2699A>C on transcript NM_000257.4 (MANE Select); coding-DNA position 2699, A replaced by C.
Protein change: p.Asp900Ala; replaces aspartic acid 900 with alanine.
Molecular consequence: missense variant.
Genome position (GRCh38, 1-based): chr14:23,424,130, T>G on the plus strand (A>C on the coding strand, the complement: MYH7 is on the minus strand). VCF-style: chr14-23424130-T-G. GRCh37 (hg19) VCF-style: chr14-23893339-T-G.
Other names: c.2699A>C, p.Asp900Ala (NM_001407004.1); short protein forms D900A.
Identifiers: ClinVar variation 4857461 (VCV004857461.2).
Genomic context (GRCh38, chr14:23,424,130, plus strand): 5'-TTCACCTTGGCCTCCAGCTGAATCTTGTTTTTGATCAGCTGATCACAGCGCTCCTCAGCA[T>G]CTGCCAGGTTGTCTTGTTCCTGAAGGTGAGGAACAGAGGGGAGGCTGTTCAGGGGGTAAG-3'
Protein context (NP_000248.2, residues 890-910): QVQAEQDNLA[Asp900Ala]AEERCDQLIK